The following is an entry in ClinVar:

NM_031471.6(FERMT3):c.1887G>C (p.Glu629Asp)

Gene: FERMT3 (FERM domain containing kindlin 3; plus strand). Cytogenetic location: 11q13.1.
Variant type: single nucleotide variant.
Coding change: c.1887G>C on transcript NM_031471.6 (MANE Select); coding-DNA position 1887, G replaced by C.
Protein change: p.Glu629Asp; replaces glutamic acid 629 with aspartic acid.
Molecular consequence: missense variant.
Genome position (GRCh38, 1-based): chr11:64,223,387, G>C. VCF-style: chr11-64223387-G-C. GRCh37 (hg19) VCF-style: chr11-63990859-G-C.
Other names: c.1887G>C (NM_031471.5); c.1887G>C, p.Glu629Asp (NM_001382361.1, NM_001382448.1); c.1899G>C, p.Glu633Asp (NM_001382362.1, NM_178443.3); c.1347G>C, p.Glu449Asp (NM_001382363.1); c.1359G>C, p.Glu453Asp (NM_001382364.1); short protein forms E629D, E449D, E453D, E633D.
Identifiers: ClinVar variation 2165556 (VCV002165556.5), dbSNP rs202127659, ClinGen allele CA381090653.

ClinVar aggregate classification (germline): Uncertain significance. Review status: criteria provided, multiple submitters, no conflicts (2 of 4 stars). 2 submissions from 2 submitters: Uncertain significance (2). Last evaluated 2024-01-09.

Conditions:
Inborn genetic diseases. Identifiers: MedGen C0950123, MeSH D030342.
Leukocyte adhesion deficiency 3. Also called: Leukocyte adhesion deficiency, type III; INTEGRIN ACTIVATION DEFICIENCY DISEASE; LEUKOCYTE ADHESION DEFICIENCY 1 VARIANT. Identifiers: Orphanet 2968, Orphanet 99844, MedGen C2748536, MONDO:0013016, OMIM 612840.

gnomAD v4.1: 1 of 1,614,012 alleles (0.000062%); highest among the groups gnomAD compares: Non-Finnish European, 0.000085%; no homozygotes.

Submissions (2):

Ambry Genetics
Classification: Uncertain significance for Inborn genetic diseases. Last evaluated: 2024-01-09. Review status: criteria provided, single submitter. Criteria: Ambry Variant Classification Scheme 2023. Collection method: clinical testing. Allele origin: germline.

Labcorp Genetics (formerly Invitae), Labcorp
Classification: Uncertain significance for Leukocyte adhesion deficiency 3. Last evaluated: 2021-12-28. Review status: criteria provided, single submitter. Criteria: Invitae Variant Classification Sherloc (09022015). Collection method: clinical testing. Allele origin: germline.
Comment: Algorithms developed to predict the effect of missense changes on protein structure and function are either unavailable or do not agree on the potential impact of this missense change (SIFT: "Deleterious"; PolyPhen-2: "Probably Damaging"; Align-GVGD: "Class C0"). This variant has not been reported in the literature in individuals affected with FERMT3-related conditions. This variant is not present in population databases (gnomAD no frequency). This sequence change replaces glutamic acid, which is acidic and polar, with aspartic acid, which is acidic and polar, at codon 629 of the FERMT3 protein (p.Glu629Asp). In summary, the available evidence is currently insufficient to determine the role of this variant in disease. Therefore, it has been classified as a Variant of Uncertain Significance.